The following is an entry in ClinVar:

ClinVar aggregate classification (germline): Uncertain significance (1 of 4 stars; one submission).

Conditions:
Familial cancer of breast. Also called: BREAST CANCER, FAMILIAL; hereditary breast carcinoma; Hereditary breast cancer. Identifiers: Orphanet 227535, MedGen C0346153, MONDO:0016419, OMIM 114480. Disease mechanism: loss of function.

Submission:

Labcorp Genetics (formerly Invitae), Labcorp
Classification: Uncertain significance for Familial cancer of breast. Last evaluated: 2025-05-30. Review status: criteria provided, single submitter. Criteria: Invitae Variant Classification Sherloc (09022015). Collection method: clinical testing. Allele origin: germline.
Comment: This sequence change replaces glycine, which is neutral and non-polar, with tryptophan, which is neutral and slightly polar, at codon 403 of the CHEK2 protein (p.Gly403Trp). This variant is not present in population databases (gnomAD no frequency). This variant has not been reported in the literature in individuals affected with CHEK2-related conditions. ClinVar contains an entry for this variant (Variation ID: 2808418). An algorithm developed to predict the effect of missense changes on protein structure and function (PolyPhen-2) suggests that this variant is likely to be disruptive. In summary, the available evidence is currently insufficient to determine the role of this variant in disease. Therefore, it has been classified as a Variant of Uncertain Significance.

NM_007194.4(CHEK2):c.1207G>T (p.Gly403Trp)

Gene: CHEK2 (checkpoint kinase 2; minus strand). Cytogenetic location: 22q12.1.
Variant type: single nucleotide variant.
Coding change: c.1207G>T on transcript NM_007194.4 (MANE Select); coding-DNA position 1207, G replaced by T.
Protein change: p.Gly403Trp; replaces glycine 403 with tryptophan.
Molecular consequence: missense variant.
Genome position (GRCh38, 1-based): chr22:28,695,762, C>A on the plus strand (G>T on the coding strand, the complement: CHEK2 is on the minus strand). VCF-style: chr22-28695762-C-A. GRCh37 (hg19) VCF-style: chr22-29091750-C-A.
Other names: c.1336G>T, p.Gly446Trp (NM_001005735.3); c.544G>T, p.Gly182Trp (NM_001257387.3); c.1006G>T, p.Gly336Trp (NM_001349956.3); c.1120G>T, p.Gly374Trp (NM_145862.3); short protein forms G403W, G182W, G336W, G374W, G446W.
Identifiers: ClinVar variation 2808418 (VCV002808418.3), dbSNP rs1601722357, ClinGen allele CA411096746.